The following is an entry in ClinVar:

ClinVar aggregate classification (germline): Likely pathogenic. Review status: reviewed by expert panel (3 of 4 stars). 6 submissions from 6 submitters: Likely pathogenic (1). 5 of the submissions do not count toward it. Last evaluated 2019-11-05.

Conditions:
Phenylketonuria (PKU). Also called: Phenylketonuria (PKU); FOLLING DISEASE; OLIGOPHRENIA PHENYLPYRUVICA; Phenylketonurias. Identifiers: Orphanet 716, MedGen C0031485, MONDO:0009861, OMIM 261600. Disease mechanism: loss of function.

Allele frequency attached by ClinVar (database versions not stated): gnomAD exomes below 0.00001.
gnomAD v4.1: 1 of 1,587,914 alleles (0.000063%); highest among the groups gnomAD compares: Non-Finnish European, 0.000086%; no homozygotes.

Submissions (6):

ClinGen PAH Variant Curation Expert Panel
Classification: Likely pathogenic for Phenylketonuria. Last evaluated: 2019-11-05. Review status: reviewed by expert panel. Criteria: ClinGen PAH ACMG Specifications v1. Collection method: curation. Allele origin: germline. Inheritance: Autosomal recessive inheritance.
Comment: DHPR activity, biopterin and/or pteridine analysis was performed to rule out other causes of hyperphenylalaninemia. This variant was documented in trans with a pathogenic or likely pathogenic PAH variant in four patients diagnosed with PAH deficiency (PMID: 16256386, 28982351, 25456745, 23932990). This variant is present in the population database gnomAD at a frequency below 0.0002. According to in silico splicing predictions, this alteration is probably damaging (TraP score 0.992). In summary, this variant meets criteria to be classified as likely pathogenic for PAH. PAH-specific ACMG/AMP criteria applied: PM3_strong, PM2, PP4_moderate, PP3.

Natera, Inc.
Classification: Pathogenic for Phenylketonuria. Last evaluated: 2025-12-26. Review status: criteria provided, single submitter. Criteria: Natera Variant Classification Schema (03/2026). Collection method: clinical testing. Allele origin: germline. Not counted in ClinVar's aggregate classification.
Comment: The c.1315+4A>G variant in PAH is an intronic variant located outside the canonical splice sites. This variant is rare in the general population with a frequency below the threshold expected for the associated phenotype(s). This variant has been observed in one or more individuals affected with the associated recessive disease, as either homozygous or compound heterozygous with a second variant (PMID: 23932990, 30050108). Computational prediction algorithms indicate this variant is likely to affect gene or protein function. Given the available evidence, this variant is classified as Pathogenic.

Labcorp Genetics (formerly Invitae), Labcorp
Classification: Pathogenic for Phenylketonuria. Last evaluated: 2023-12-17. Review status: criteria provided, single submitter. Criteria: Invitae Variant Classification Sherloc (09022015). Collection method: clinical testing. Allele origin: germline. Not counted in ClinVar's aggregate classification.
Comment: This sequence change falls in intron 12 of the PAH gene. It does not directly change the encoded amino acid sequence of the PAH protein. It affects a nucleotide within the consensus splice site. This variant is present in population databases (rs62508649, gnomAD 0.006%). This variant has been observed in individual(s) with phenylalaninehydroxylase deficiency (PMID: 16256386, 23932990). This variant is also known as IVS12+4A>G. ClinVar contains an entry for this variant (Variation ID: 102589). Variants that disrupt the consensus splice site are a relatively common cause of aberrant splicing (PMID: 17576681, 9536098). Algorithms developed to predict the effect of sequence changes on RNA splicing suggest that this variant may disrupt the consensus splice site. For these reasons, this variant has been classified as Pathogenic.

Baylor Genetics
Classification: Pathogenic for Phenylketonuria. Last evaluated: 2023-07-28. Review status: criteria provided, single submitter. Criteria: ACMG Guidelines, 2015. Collection method: clinical testing. Allele origin: unknown. Not counted in ClinVar's aggregate classification.

Counsyl
Classification: Likely pathogenic for Phenylketonuria. Last evaluated: 2018-02-08. Review status: no assertion criteria provided. Collection method: clinical testing. Allele origin: unknown. Not counted in ClinVar's aggregate classification.

DeBelle Laboratory for Biochemical Genetics, MUHC/MCH RESEARCH INSTITUTE
No classification provided. Review status: no classification provided. Collection method: not provided. Allele origin: not provided. Not counted in ClinVar's aggregate classification.

Literature cited by the submitters: PubMed 23932990 (cited by 4 submitters); PubMed 16256386 (cited by 3 submitters); PubMed 28982351 (cited by ClinGen PAH Variant Curation Expert Panel and Counsyl); PubMed 25456745 (cited by ClinGen PAH Variant Curation Expert Panel and Counsyl); PubMed 26503515 (cited by ClinGen PAH Variant Curation Expert Panel and Counsyl); PubMed 30050108 (cited by Natera, Inc.); PubMed 17576681 (cited by Labcorp Genetics (formerly Invitae), Labcorp); PubMed 9536098 (cited by Labcorp Genetics (formerly Invitae), Labcorp).

NM_000277.3(PAH):c.1315+4A>G

Gene: PAH (phenylalanine hydroxylase; minus strand). Cytogenetic location: 12q23.2.
Variant type: single nucleotide variant.
Coding change: c.1315+4A>G on transcript NM_000277.3 (MANE Select); 4 bases into the intron after coding-DNA position 1315, A replaced by G.
Molecular consequence: intron variant.
Genome position (GRCh38, 1-based): chr12:102,840,396, T>C on the plus strand (A>G on the coding strand, the complement: PAH is on the minus strand). VCF-style: chr12-102840396-T-C. GRCh37 (hg19) VCF-style: chr12-103234174-T-C.
Other names: c.1315+4A>G (NM_001354304.2, NM_000277.2).
Identifiers: ClinVar variation 102589 (VCV000102589.13), dbSNP rs62508649, ClinGen allele CA229430.